The following is an entry in ClinVar:

ClinVar aggregate classification (germline): Conflicting classifications of pathogenicity. Review status: criteria provided, conflicting classifications (1 of 4 stars). 3 submissions from 3 submitters: Uncertain significance (2); Likely benign (1). Last evaluated 2025-10-23.

Conditions:
Hereditary cancer-predisposing syndrome. Also called: Tumor predisposition; Hereditary neoplastic syndrome; Hereditary Cancer Syndrome; Neoplastic Syndromes, Hereditary. Identifiers: Orphanet 140162, MedGen C0027672, MeSH D009386, MONDO:0015356.
Gastrointestinal stromal tumor. Also called: Gastrointestinal stroma tumor; Gastrointestinal stromal tumor, somatic. Identifiers: Orphanet 44890, MedGen C0238198, MeSH D046152, MONDO:0011719, OMIM 606764, HP:0100723.

Allele frequency attached by ClinVar (database versions not stated): gnomAD exomes below 0.00001.
gnomAD v4.1: 4 of 1,614,170 alleles (0.00025%); highest among the groups gnomAD compares: South Asian, 0.0033%; no homozygotes.

Submissions (3):

Labcorp Genetics (formerly Invitae), Labcorp
Classification: Uncertain significance for Gastrointestinal stromal tumor. Last evaluated: 2025-10-23. Review status: criteria provided, single submitter. Criteria: Invitae Variant Classification Sherloc (09022015). Collection method: clinical testing. Allele origin: germline.
Comment: This sequence change replaces isoleucine, which is neutral and non-polar, with valine, which is neutral and non-polar, at codon 472 of the PDGFRA protein (p.Ile472Val). This variant is not present in population databases (gnomAD no frequency). This variant has not been reported in the literature in individuals affected with PDGFRA-related conditions. ClinVar contains an entry for this variant (Variation ID: 528521). An algorithm developed to predict the effect of missense changes on protein structure and function outputs the following: PolyPhen-2: "Benign". The valine amino acid residue is found in multiple mammalian species, which suggests that this missense change does not adversely affect protein function. In summary, the available evidence is currently insufficient to determine the role of this variant in disease. Therefore, it has been classified as a Variant of Uncertain Significance.

Ambry Genetics
Classification: Likely benign for Hereditary cancer-predisposing syndrome. Last evaluated: 2024-03-06. Review status: criteria provided, single submitter. Criteria: Ambry Variant Classification Scheme 2023. Collection method: clinical testing. Allele origin: germline.

GeneDx
Classification: Uncertain significance. Last evaluated: 2023-10-27. Review status: criteria provided, single submitter. Criteria: GeneDx Variant Classification Process June 2021. Collection method: clinical testing. Allele origin: germline. Affected: yes.
Comment: Not observed at significant frequency in large population cohorts (gnomAD); In silico analysis supports that this missense variant does not alter protein structure/function; Has not been previously published as pathogenic or benign to our knowledge

NM_006206.6(PDGFRA):c.1414A>G (p.Ile472Val)

Gene: PDGFRA (platelet derived growth factor receptor alpha; plus strand). Cytogenetic location: 4q12.
Variant type: single nucleotide variant.
Coding change: c.1414A>G on transcript NM_006206.6 (MANE Select); coding-DNA position 1414, A replaced by G.
Protein change: p.Ile472Val; replaces isoleucine 472 with valine.
Molecular consequence: missense variant.
Genome position (GRCh38, 1-based): chr4:54,273,586, A>G. VCF-style: chr4-54273586-A-G. GRCh37 (hg19) VCF-style: chr4-55139753-A-G.
Other names: c.1414A>G, p.Ile472Val (NM_001347827.2, NM_001347829.2); c.1489A>G, p.Ile497Val (NM_001347828.2); c.1453A>G, p.Ile485Val (NM_001347830.2); short protein forms I472V, I497V, I485V.
Identifiers: ClinVar variation 528521 (VCV000528521.14), dbSNP rs1553904177, ClinGen allele CA356892520.